The following is an entry in ClinVar:

NM_006739.4(MCM5):c.911A>G (p.Asp304Gly)

Gene: MCM5 (minichromosome maintenance complex component 5; plus strand). Cytogenetic location: 22q12.3.
Variant type: single nucleotide variant.
Coding change: c.911A>G on transcript NM_006739.4 (MANE Select); coding-DNA position 911, A replaced by G.
Protein change: p.Asp304Gly; replaces aspartic acid 304 with glycine.
Molecular consequence: missense variant.
Genome position (GRCh38, 1-based): chr22:35,410,902, A>G. VCF-style: chr22-35410902-A-G. GRCh37 (hg19) VCF-style: chr22-35806895-A-G.
Other names: short protein forms D304G.
Identifiers: ClinVar variation 2092827 (VCV002092827.4), dbSNP rs1428642613, ClinGen allele CA411343295.

ClinVar aggregate classification (germline): Uncertain significance (1 of 4 stars; one submission).

Allele frequency attached by ClinVar (database versions not stated): gnomAD exomes below 0.00001; TOPMed below 0.00001; gnomAD 0.00001.
gnomAD v4.1: 2 of 1,601,906 alleles (0.00012%); highest among the groups gnomAD compares: Admixed American, 0.0017%; no homozygotes.

Submission:

Labcorp Genetics (formerly Invitae), Labcorp
Classification: Uncertain significance. Last evaluated: 2024-11-05. Review status: criteria provided, single submitter. Criteria: Invitae Variant Classification Sherloc (09022015). Collection method: clinical testing. Allele origin: germline.
Comment: This sequence change replaces aspartic acid, which is acidic and polar, with glycine, which is neutral and non-polar, at codon 304 of the MCM5 protein (p.Asp304Gly). This variant is present in population databases (no rsID available, gnomAD 0.003%). This variant has not been reported in the literature in individuals affected with MCM5-related conditions. ClinVar contains an entry for this variant (Variation ID: 2092827). Invitae Evidence Modeling of protein sequence and biophysical properties (such as structural, functional, and spatial information, amino acid conservation, physicochemical variation, residue mobility, and thermodynamic stability) indicates that this missense variant is not expected to disrupt MCM5 protein function with a negative predictive value of 80%. In summary, the available evidence is currently insufficient to determine the role of this variant in disease. Therefore, it has been classified as a Variant of Uncertain Significance.